The following is an entry in ClinVar:

ClinVar aggregate classification (germline): Uncertain significance (1 of 4 stars; one submission).

Allele frequency attached by ClinVar (database versions not stated): TOPMed 0.00001.

Submission:

Centre for Mendelian Genomics, University Medical Centre Ljubljana
Classification: Uncertain significance. Last evaluated: 2019-06-12. Review status: criteria provided, single submitter. Criteria: ACMG Guidelines, 2015. Collection method: clinical testing. Allele origin: unknown. Affected: yes.
Comment: This variant was classified as: Uncertain significance. The available evidence on this variant's pathogenicity is insufficient or conflicting. The following ACMG criteria were applied in classifying this variant: PM2.

NM_022039.4(FBXW4):c.1663_1664del (p.Leu555fs)

Gene: FBXW4 (F-box and WD repeat domain containing 4; minus strand). Cytogenetic location: 10q24.32.
Variant type: Deletion.
Coding change: c.1663_1664del on transcript NM_022039.4 (MANE Select); coding-DNA positions 1663 to 1664, 2 bases deleted (CT; older notation c.1663_1664delCT).
Protein change: p.Leu555fs; shifts the reading frame from leucine 555.
Molecular consequence: frameshift variant. On other transcripts: non-coding transcript variant (1).
Genome position (GRCh38, 1-based): chr10:101,611,331-101,611,332, AG deleted on the plus strand (CT on the coding strand, the reverse complement: FBXW4 is on the minus strand). VCF-style (leftmost placement, unchanged base first): chr10-101611330-CAG-C. GRCh37 (hg19) VCF-style: chr10-103371087-CAG-C.
Other names: c.937_938del, p.Leu313fs (NM_001323541.2); short protein forms L555fs, L313fs.
Identifiers: ClinVar variation 931194 (VCV000931194.3), dbSNP rs1393527867, ClinGen allele CA658982036.